The following is an entry in ClinVar:

ClinVar aggregate classification (germline): Uncertain significance. Review status: criteria provided, multiple submitters, no conflicts (2 of 4 stars). 3 submissions from 3 submitters: Uncertain significance (2). 1 of the submissions does not count toward it. Last evaluated 2025-08-12.

Conditions:
TMEM260-related disorder. Also called: TMEM260-related condition.
Inborn genetic diseases. Identifiers: MedGen C0950123, MeSH D030342.

Allele frequency attached by ClinVar (database versions not stated): TOPMed 0.00057; gnomAD 0.00061; 1000 Genomes Project 0.00080; 1000 Genomes Project 30x 0.00094; ESP Exome Variant Server 0.00054; gnomAD exomes 0.00008; ExAC 0.00022.
gnomAD v4.1: 222 of 1,613,308 alleles (0.014%); highest among the groups gnomAD compares: African/African-American, 0.24%; no homozygotes.

Submissions (3):

Ambry Genetics
Classification: Uncertain significance for Inborn genetic diseases. Last evaluated: 2025-08-12. Review status: criteria provided, single submitter. Criteria: Ambry Variant Classification Scheme 2023. Collection method: clinical testing. Allele origin: germline.

GeneDx
Classification: Uncertain significance. Last evaluated: 2024-03-21. Review status: criteria provided, single submitter. Criteria: GeneDx Variant Classification Process June 2021. Collection method: clinical testing. Allele origin: germline.
Comment: In silico analysis supports that this missense variant does not alter protein structure/function; Has not been previously published as pathogenic or benign to our knowledge

PreventionGenetics, part of Exact Sciences
Classification: Likely benign for TMEM260-related condition. Last evaluated: 2022-06-27. Review status: no assertion criteria provided. Collection method: clinical testing. Allele origin: germline. Not counted in ClinVar's aggregate classification.
Comment: This variant is classified as likely benign based on ACMG/AMP sequence variant interpretation guidelines (Richards et al. 2015 PMID: 25741868, with internal and published modifications).

NM_017799.4(TMEM260):c.1889A>G (p.Tyr630Cys)

Gene: TMEM260 (transmembrane protein 260; plus strand). Cytogenetic location: 14q22.3.
Variant type: single nucleotide variant.
Coding change: c.1889A>G on transcript NM_017799.4 (MANE Select); coding-DNA position 1889, A replaced by G.
Protein change: p.Tyr630Cys; replaces tyrosine 630 with cysteine.
Molecular consequence: missense variant.
Genome position (GRCh38, 1-based): chr14:56,647,262, A>G. VCF-style: chr14-56647262-A-G. GRCh37 (hg19) VCF-style: chr14-57113980-A-G.
Other names: short protein forms Y630C.
Identifiers: ClinVar variation 2430409 (VCV002430409.5), dbSNP rs61739407, ClinGen allele CA7200310.